The following is an entry in ClinVar:

NM_007294.4(BRCA1):c.3535A>C (p.Lys1179Gln)

Genes: BRCA1 (BRCA1 DNA repair associated; minus strand), LOC126862571 (BRD4-independent group 4 enhancer GRCh37_chr17:41243136-41244335; plus strand). Cytogenetic location: 17q21.31.
Variant type: single nucleotide variant.
Coding change: c.3535A>C on transcript NM_007294.4 (MANE Select); coding-DNA position 3535, A replaced by C.
Protein change: p.Lys1179Gln; replaces lysine 1179 with glutamine.
Molecular consequence: missense variant. On other transcripts: intron variant (135).
Genome position (GRCh38, 1-based): chr17:43,091,996, T>G on the plus strand (A>C on the coding strand, the complement: BRCA1 is on the minus strand). VCF-style: chr17-43091996-T-G. GRCh37 (hg19) VCF-style: chr17-41244013-T-G.
Other names: c.3322A>C, p.Lys1108Gln (NM_001407571.1, NM_001407853.1, NM_001407894.1 and 9 more transcripts); c.3535A>C, p.Lys1179Gln (NM_001407581.1, NM_001407582.1, NM_001407583.1 and 30 more transcripts); c.3532A>C, p.Lys1178Gln (NM_001407587.1, NM_001407610.1, NM_001407611.1 and 22 more transcripts); c.3526A>C, p.Lys1176Gln (NM_001407646.1, NM_001407647.1); c.3412A>C, p.Lys1138Gln (NM_001407648.1, NM_001407664.1, NM_001407665.1 and 19 more transcripts); c.3409A>C, p.Lys1137Gln (NM_001407649.1, NM_001407670.1, NM_001407671.1 and 11 more transcripts); c.3457A>C, p.Lys1153Gln (NM_001407653.1, NM_001407654.1, NM_001407655.1 and 4 more transcripts); c.3454A>C, p.Lys1152Gln (NM_001407659.1, NM_001407660.1, NM_001407661.1 and 1 more transcripts); and 41 more; short protein forms K1179Q, K1132Q, K1011Q, K1051Q, K1111Q, K1152Q, K311Q, K1052Q.
Identifiers: ClinVar variation 142028 (VCV000142028.17), dbSNP rs587782188, ClinGen allele CA002262.

ClinVar aggregate classification (germline): Conflicting classifications of pathogenicity. Review status: criteria provided, conflicting classifications (1 of 4 stars). 4 submissions from 4 submitters: Uncertain significance (2); Likely benign (1). 1 of the submissions does not count toward it. Last evaluated 2025-03-30.

Conditions:
Hereditary cancer-predisposing syndrome. Also called: Tumor predisposition; Hereditary neoplastic syndrome; Hereditary Cancer Syndrome; Neoplastic Syndromes, Hereditary. Identifiers: Orphanet 140162, MedGen C0027672, MeSH D009386, MONDO:0015356.
Hereditary breast ovarian cancer syndrome. Also called: Hereditary breast and/or ovarian cancer syndrome; Breast and ovarian cancer; Hereditary breast and ovarian cancer syndrome; Hereditary breast and ovarian cancer; Hereditary breast and ovarian cancer syndrome (HBOC); BRCA1- and BRCA2-Associated Hereditary Breast and Ovarian Cancer. Identifiers: Orphanet 145, MedGen C0677776, MeSH D061325, MONDO:0003582. Disease mechanism: loss of function.
Breast-ovarian cancer, familial, susceptibility to, 1 (BROVCA1). Also called: BRCA1 Hereditary Breast and Ovarian Cancer; OVARIAN CANCER, SUSCEPTIBILITY TO. Identifiers: Orphanet 145, MedGen C2676676, MONDO:0011450, OMIM 604370. Disease mechanism: loss of function.

Submissions (4):

Ambry Genetics
Classification: Uncertain significance for Hereditary cancer-predisposing syndrome. Last evaluated: 2025-03-30. Review status: criteria provided, single submitter. Criteria: Ambry Variant Classification Scheme 2023. Collection method: clinical testing. Allele origin: germline.
Comment: The p.K1179Q variant (also known as c.3535A>C), located in coding exon 9 of the BRCA1 gene, results from an A to C substitution at nucleotide position 3535. The lysine at codon 1179 is replaced by glutamine, an amino acid with similar properties. This amino acid position is not well conserved in available vertebrate species. In addition, the in silico prediction for this alteration is inconclusive. Since supporting evidence is limited at this time, the clinical significance of this alteration remains unclear.

Labcorp Genetics (formerly Invitae), Labcorp
Classification: Uncertain significance for Hereditary breast ovarian cancer syndrome. Last evaluated: 2023-04-15. Review status: criteria provided, single submitter. Criteria: Invitae Variant Classification Sherloc (09022015). Collection method: clinical testing. Allele origin: germline.
Comment: In summary, the available evidence is currently insufficient to determine the role of this variant in disease. Therefore, it has been classified as a Variant of Uncertain Significance. Advanced modeling of protein sequence and biophysical properties (such as structural, functional, and spatial information, amino acid conservation, physicochemical variation, residue mobility, and thermodynamic stability) performed at Invitae indicates that this missense variant is not expected to disrupt BRCA1 protein function. ClinVar contains an entry for this variant (Variation ID: 142028). This missense change has been observed in individual(s) with clinical features of Lynch syndrome (PMID: 25980754). This variant is not present in population databases (gnomAD no frequency). This sequence change replaces lysine, which is basic and polar, with glutamine, which is neutral and polar, at codon 1179 of the BRCA1 protein (p.Lys1179Gln).

University of Washington Department of Laboratory Medicine, University of Washington
Classification: Likely benign for Hereditary cancer-predisposing syndrome. Last evaluated: 2023-03-23. Review status: criteria provided, single submitter. Criteria: Dines et al. (Genet Med. 2020). Collection method: curation. Allele origin: germline.
Comment: Missense variant in a coldspot region where missense variants are very unlikely to be pathogenic (PMID:31911673).

BRCA1 coldspot (exon 11 using historical exon numbering). Reclassification based on statistical prior probability

Counsyl
Classification: Uncertain significance for Breast-ovarian cancer, familial, susceptibility to, 1. Last evaluated: 2016-02-19. Review status: no assertion criteria provided. Collection method: clinical testing. Allele origin: unknown. Not counted in ClinVar's aggregate classification.

Literature cited by the submitters: PubMed 25980754 (cited by Labcorp Genetics (formerly Invitae), Labcorp and Counsyl); PubMed 25186627 (cited by Counsyl).